The following is an entry in ClinVar:

NM_001283009.2(RTEL1):c.2992+2T>C

Genes: RTEL1 (regulator of telomere elongation helicase 1; plus strand), RTEL1-TNFRSF6B (RTEL1-TNFRSF6B readthrough (NMD candidate); plus strand). Cytogenetic location: 20q13.33.
Variant type: single nucleotide variant.
Coding change: c.2992+2T>C on transcript NM_001283009.2 (MANE Select); the canonical splice donor site of the intron after coding-DNA position 2992, T replaced by C.
Molecular consequence: splice donor variant.
Genome position (GRCh38, 1-based): chr20:63,693,285, T>C. VCF-style: chr20-63693285-T-C. GRCh37 (hg19) VCF-style: chr20-62324638-T-C.
Other names: c.2323+2T>C (NM_001283010.1); c.3064+2T>C (NM_032957.5); c.2992+2T>C (NM_016434.4).
Identifiers: ClinVar variation 4060957 (VCV004060957.2).

ClinVar aggregate classification (germline): Likely pathogenic (1 of 4 stars; one submission).

Conditions:
Dyskeratosis congenita. Identifiers: Orphanet 1775, MedGen C0265965, MONDO:0015780.

Submission:

Natera, Inc.
Classification: Likely pathogenic for Dyskeratosis congenita. Last evaluated: 2025-02-12. Review status: criteria provided, single submitter. Criteria: Natera Variant Classification Schema (03/2026). Collection method: clinical testing. Allele origin: germline.
Comment: The c.3064+2T>C variant in RTEL1 is a canonical splice donor site variant predicted to affect pre-mRNA splicing, which may result in an abnormal transcript and altered protein product. This variant is expected to result in nonsense mediated decay, truncation, or a dysfunctional protein product. This variant is rare in the general population with a frequency below the threshold expected for the associated phenotype(s). Given the available evidence, this variant is classified as Likely Pathogenic.